The following is an entry in ClinVar:

ClinVar aggregate classification (germline): Likely benign (1 of 4 stars; one submission).

Submission:

CeGaT Center for Human Genetics Tuebingen
Classification: Likely benign. Last evaluated: 2023-01-01. Review status: criteria provided, single submitter. Criteria: CeGaT Center For Human Genetics Tuebingen Variant Classification Criteria Version 2. Collection method: clinical testing. Allele origin: germline. Affected: yes. Observed: 1 variant allele.
Comment: TRIM2: PM2:Supporting, BP4, BP7

NM_015271.5(TRIM2):c.864C>A (p.Ala288=)

Gene: TRIM2 (tripartite motif containing 2; plus strand). Cytogenetic location: 4q31.3.
Variant type: single nucleotide variant.
Coding change: c.864C>A on transcript NM_015271.5 (MANE Select); coding-DNA position 864, C replaced by A.
Protein change: p.Ala288=; no amino-acid change (alanine 288 retained).
Molecular consequence: synonymous variant.
Genome position (GRCh38, 1-based): chr4:153,295,390, C>A. VCF-style: chr4-153295390-C-A. GRCh37 (hg19) VCF-style: chr4-154216542-C-A.
Other names: c.783C>A, p.Ala261= (NM_001130067.2, NM_001351056.2, NM_001375512.1 and 5 more transcripts); c.837C>A, p.Ala279= (NM_001351054.2); c.834C>A, p.Ala278= (NM_001351055.2); c.408C>A, p.Ala136= (NM_001351057.2); c.957C>A, p.Ala319= (NM_001375488.1); c.954C>A, p.Ala318= (NM_001375489.1); c.807C>A, p.Ala269= (NM_001375490.1); c.804C>A, p.Ala268= (NM_001375491.1); and 3 more.
Identifiers: ClinVar variation 2498963 (VCV002498963.28), dbSNP rs1762570784, ClinGen allele CA441783483.